The following is an entry in ClinVar:

ClinVar aggregate classification (germline): Uncertain significance. Review status: criteria provided, multiple submitters, no conflicts (2 of 4 stars). 2 submissions from 2 submitters: Uncertain significance (2). Last evaluated 2026-03-30.

Conditions:
Peroxisome biogenesis disorder. Identifiers: Orphanet 79189, MedGen C1832200, MONDO:0019234. Disease mechanism: loss of function.

gnomAD v4.1: 3 of 1,612,156 alleles (0.00019%); highest among the groups gnomAD compares: South Asian, 0.0011%; no homozygotes.

Submissions (2):

Women's Health and Genetics/Laboratory Corporation of America, LabCorp
Classification: Uncertain significance. Last evaluated: 2026-03-30. Review status: criteria provided, single submitter. Criteria: LabCorp Variant Classification Summary - May 2015. Collection method: clinical testing. Allele origin: germline.
Comment: Variant summary: PEX16 c.826C>T (p.Arg276Cys) results in a non-conservative amino acid change in the encoded protein sequence. Algorithms developed to predict the effect of missense changes on protein structure and function are either unavailable or do not agree on the potential impact of this missense change. The variant allele was found at a frequency of 4.1e-06 in 245818 control chromosomes. c.826C>T has been observed in compound heterozygous siblings affected with Peroxisome Biogenesis Disorders, Zellweger Syndrome Spectrum (example: Chen_2019). These data indicate that the variant may be associated with disease. To our knowledge, no experimental evidence demonstrating an impact on protein function has been reported. The following publication has been ascertained in the context of this evaluation (PMID: 31227335). ClinVar contains an entry for this variant (Variation ID: 958240). Based on the evidence outlined above, the variant was classified as VUS-possibly pathogenic.

Labcorp Genetics (formerly Invitae), Labcorp
Classification: Uncertain significance for Peroxisome biogenesis disorder. Last evaluated: 2021-08-31. Review status: criteria provided, single submitter. Criteria: Invitae Variant Classification Sherloc (09022015). Collection method: clinical testing. Allele origin: germline.
Comment: This sequence change replaces arginine with cysteine at codon 276 of the PEX16 protein (p.Arg276Cys). The arginine residue is highly conserved and there is a large physicochemical difference between arginine and cysteine. This variant is not present in population databases (ExAC no frequency). This missense change has been observed in individual(s) with clinical features of Zellweger spectrum disorder (PMID: 31227335). It has also been observed to segregate with disease in related individuals. ClinVar contains an entry for this variant (Variation ID: 958240). Algorithms developed to predict the effect of missense changes on protein structure and function are either unavailable or do not agree on the potential impact of this missense change (SIFT: "Deleterious"; PolyPhen-2: "Probably Damaging"; Align-GVGD: "Class C0"). Algorithms developed to predict the effect of sequence changes on RNA splicing suggest that this variant may create or strengthen a splice site. In summary, the available evidence is currently insufficient to determine the role of this variant in disease. Therefore, it has been classified as a Variant of Uncertain Significance.

Literature cited by the submitters: PubMed 31227335 (cited by Women's Health and Genetics/Laboratory Corporation of America, LabCorp and Labcorp Genetics (formerly Invitae), Labcorp).

NM_004813.4(PEX16):c.826C>T (p.Arg276Cys)

Gene: PEX16 (peroxisomal biogenesis factor 16; minus strand). Cytogenetic location: 11p11.2.
Variant type: single nucleotide variant.
Coding change: c.826C>T on transcript NM_004813.4 (MANE Select); coding-DNA position 826, C replaced by T.
Protein change: p.Arg276Cys; replaces arginine 276 with cysteine.
Molecular consequence: missense variant.
Genome position (GRCh38, 1-based): chr11:45,913,880, G>A on the plus strand (C>T on the coding strand, the complement: PEX16 is on the minus strand). VCF-style: chr11-45913880-G-A. GRCh37 (hg19) VCF-style: chr11-45935431-G-A.
Other names: c.826C>T, p.Arg276Cys (NM_057174.3); short protein forms R276C.
Identifiers: ClinVar variation 958240 (VCV000958240.8), dbSNP rs762568886, ClinGen allele CA380226036.